The following is an entry in ClinVar:

NM_177438.3(DICER1):c.1056A>G (p.Leu352=)

Gene: DICER1 (dicer 1, ribonuclease III; minus strand). Cytogenetic location: 14q32.13.
Variant type: single nucleotide variant.
Coding change: c.1056A>G on transcript NM_177438.3 (MANE Select); coding-DNA position 1056, A replaced by G.
Protein change: p.Leu352=; no amino-acid change (leucine 352 retained).
Molecular consequence: synonymous variant. On other transcripts: 5 prime UTR variant (1), non-coding transcript variant (6).
Genome position (GRCh38, 1-based): chr14:95,124,516, T>C on the plus strand (A>G on the coding strand, the complement: DICER1 is on the minus strand). VCF-style: chr14-95124516-T-C. GRCh37 (hg19) VCF-style: chr14-95590853-T-C.
Other names: c.1056A>G, p.Leu352= (NM_001195573.1, NM_001271282.3, NM_001291628.2 and 14 more transcripts); c.774A>G, p.Leu258= (NM_001395686.1); c.651A>G, p.Leu217= (NM_001395687.1, NM_001395688.1, NM_001395689.1 and 3 more transcripts); c.489A>G, p.Leu163= (NM_001395691.1); c.-513A>G (NM_001395697.1).
Identifiers: ClinVar variation 5042085 (VCV005042085.1).

ClinVar aggregate classification (germline): Benign (1 of 4 stars; one submission).

Conditions:
DICER1-related tumor predisposition. Also called: DICER1 syndrome; DICER1-related pleuropulmonary blastoma cancer predisposition syndrome. Identifiers: Orphanet 284343, MedGen C3839822, MONDO:0100216.

gnomAD v4.1: 1 of 1,614,102 alleles (0.000062%); highest among the groups gnomAD compares: African/African-American, 0.0013%; no homozygotes.

Submission:

Myriad Genetics, Inc.
Classification: Benign for DICER1-related tumor predisposition. Last evaluated: 2026-08-19. Review status: criteria provided, single submitter. Criteria: Myriad Autosomal Dominant, Autosomal Recessive and X-Linked Classification Criteria (2023). Collection method: clinical testing. Allele origin: unknown.
Comment: This variant is considered benign. This variant is a silent/synonymous amino acid change and it is not expected to impact splicing.